The following is an entry in ClinVar:

NM_001283.5(AP1S1):c.220C>T (p.Gln74Ter)

Genes: AP1S1 (adaptor related protein complex 1 subunit sigma 1; plus strand), LOC126860125 (BRD4-independent group 4 enhancer GRCh37_chr7:100799642-100800841; plus strand). Cytogenetic location: 7q22.1.
Variant type: single nucleotide variant.
Coding change: c.220C>T on transcript NM_001283.5 (MANE Select); coding-DNA position 220, C replaced by T.
Protein change: p.Gln74Ter; replaces glutamine 74 with a stop codon.
Molecular consequence: nonsense.
Genome position (GRCh38, 1-based): chr7:101,157,414, C>T. VCF-style: chr7-101157414-C-T. GRCh37 (hg19) VCF-style: chr7-100800695-C-T.
Other names: short protein forms Q74*.
Identifiers: ClinVar variation 804403 (VCV000804403.5), dbSNP rs1584203922, ClinGen allele CA368623918.

ClinVar aggregate classification (germline): Pathogenic/Likely pathogenic. Review status: criteria provided, multiple submitters, no conflicts (2 of 4 stars). 2 submissions from 2 submitters: Pathogenic (1); Likely pathogenic (1). Last evaluated 2023-06-23.

Conditions:
MEDNIK syndrome (MEDNIK). Also called: ERYTHROKERATODERMIA VARIABILIS, KAMOURASKA TYPE. Identifiers: Orphanet 171851, MedGen C1836330, MONDO:0012251, OMIM 609313.

Submissions (2):

Labcorp Genetics (formerly Invitae), Labcorp
Classification: Pathogenic. Last evaluated: 2023-06-23. Review status: criteria provided, single submitter. Criteria: Invitae Variant Classification Sherloc (09022015). Collection method: clinical testing. Allele origin: germline.
Comment: This sequence change creates a premature translational stop signal (p.Gln74*) in the AP1S1 gene. It is expected to result in an absent or disrupted protein product. Loss-of-function variants in AP1S1 are known to be pathogenic (PMID: 23423674, 19057675). This variant is not present in population databases (gnomAD no frequency). This variant has not been reported in the literature in individuals affected with AP1S1-related conditions. ClinVar contains an entry for this variant (Variation ID: 804403). For these reasons, this variant has been classified as Pathogenic.

Hadassah Hebrew University Medical Center
Classification: Likely pathogenic for MEDNIK syndrome. Last evaluated: 2019-06-20. Review status: criteria provided, single submitter. Criteria: ACMG Guidelines, 2015. Collection method: clinical testing. Allele origin: germline. Inheritance: Autosomal recessive inheritance. Affected: yes.

Literature cited by the submitters: PubMed 23423674 (cited by Labcorp Genetics (formerly Invitae), Labcorp); PubMed 19057675 (cited by Labcorp Genetics (formerly Invitae), Labcorp).